The following is an entry in ClinVar:

ClinVar aggregate classification (germline): Conflicting classifications of pathogenicity. Review status: criteria provided, conflicting classifications (1 of 4 stars). 5 submissions from 5 submitters: Uncertain significance (1); Benign (1); Likely benign (3). Last evaluated 2025-12-06.

Conditions:
Inborn genetic diseases. Identifiers: MedGen C0950123, MeSH D030342.
Vitamin D-dependent rickets type II with alopecia (VDDR2A). Also called: GENERALIZED RESISTANCE TO 1,25-DIHYDROXYVITAMIN D; HYPOCALCEMIC VITAMIN D-RESISTANT RICKETS; PDDR IIA; PSEUDOVITAMIN D-DEFICIENCY, TYPE IIA; RICKETS, HEREDITARY VITAMIN D-RESISTANT; RICKETS-ALOPECIA SYNDROME. Identifiers: Orphanet 93160, MedGen C0342646, MONDO:0010186, OMIM 277440.

Allele frequency attached by ClinVar (database versions not stated): ExAC 0.00037; 1000 Genomes Project 0.00100; ESP Exome Variant Server 0.00100; 1000 Genomes Project 30x 0.00109; gnomAD 0.00109; TOPMed 0.00122.
gnomAD v4.1: 405 of 1,613,222 alleles (0.025%); highest among the groups gnomAD compares: African/African-American, 0.46%; 2 homozygotes.

Submissions (5):

Labcorp Genetics (formerly Invitae), Labcorp
Classification: Benign. Last evaluated: 2025-12-06. Review status: criteria provided, single submitter. Criteria: Invitae Variant Classification Sherloc (09022015). Collection method: clinical testing. Allele origin: germline.

Mayo Clinic Laboratories, Mayo Clinic
Classification: Likely benign. Last evaluated: 2025-09-28. Review status: criteria provided, single submitter. Criteria: ACMG Guidelines, 2015. Collection method: clinical testing. Allele origin: germline. Observed: 1 variant allele.
Comment: BS1, BP4

Ambry Genetics
Classification: Likely benign for Inborn genetic diseases. Last evaluated: 2025-08-31. Review status: criteria provided, single submitter. Criteria: Ambry Variant Classification Scheme 2023. Collection method: clinical testing. Allele origin: germline.

Blueprint Genetics
Classification: Likely benign. Last evaluated: 2024-10-23. Review status: criteria provided, single submitter. Criteria: ACMG Guidelines, 2015. Collection method: clinical testing. Allele origin: germline.

Illumina Laboratory Services, Illumina
Classification: Uncertain significance for Vitamin D-dependent rickets type II with alopecia. Last evaluated: 2018-01-12. Review status: criteria provided, single submitter. Criteria: ICSL Variant Classification Criteria 13 December 2019. Collection method: clinical testing. Allele origin: germline.

NM_000376.3(VDR):c.1048G>A (p.Ala350Thr)

Gene: VDR (vitamin D receptor; minus strand). Cytogenetic location: 12q13.11.
Variant type: single nucleotide variant.
Coding change: c.1048G>A on transcript NM_000376.3 (MANE Select); coding-DNA position 1048, G replaced by A.
Protein change: p.Ala350Thr; replaces alanine 350 with threonine.
Molecular consequence: missense variant.
Genome position (GRCh38, 1-based): chr12:47,844,982, C>T on the plus strand (G>A on the coding strand, the complement: VDR is on the minus strand). VCF-style: chr12-47844982-C-T. GRCh37 (hg19) VCF-style: chr12-48238765-C-T.
Other names: p.Ala350Thr; c.1048G>A, p.Ala350Thr (NM_001017535.2, NM_001364085.2, NM_001374661.1 and 1 more transcripts); c.1198G>A, p.Ala400Thr (NM_001017536.2); short protein forms A350T, A400T.
Identifiers: ClinVar variation 308878 (VCV000308878.18), dbSNP rs148856375, ClinGen allele CA6533769.
Genomic context (GRCh38, chr12:47,844,982, plus strand): 5'-GGCAGCGGATGTACGTCTGCAGTGTGTTGGACAGGCGGTCCTGGATGGCCTCAATCAGCG[C>T]GGCGTCCTGCACCCCAGGACGATCTGTGGGCACGGGGATAGAGAAGAAGGCACAGGAGCT-3'
Protein context (NP_000367.1, residues 340-360): SPDRPGVQDA[Ala350Thr]LIEAIQDRLS